The following is an entry in ClinVar:

NM_005045.4(RELN):c.8811G>A (p.Ala2937=)

Genes: RELN (reelin; minus strand), SLC26A5-AS1 (SLC26A5 antisense RNA 1; plus strand). Cytogenetic location: 7q22.1.
Variant type: single nucleotide variant.
Coding change: c.8811G>A on transcript NM_005045.4 (MANE Select); coding-DNA position 8811, G replaced by A.
Protein change: p.Ala2937=; no amino-acid change (alanine 2937 retained).
Molecular consequence: synonymous variant.
Genome position (GRCh38, 1-based): chr7:103,498,109, C>T on the plus strand (G>A on the coding strand, the complement: RELN is on the minus strand). VCF-style: chr7-103498109-C-T. GRCh37 (hg19) VCF-style: chr7-103138556-C-T.
Other names: p.Ala2937=; c.8811G>A, p.Ala2937= (NM_173054.3).
Identifiers: ClinVar variation 167578 (VCV000167578.22), dbSNP rs144728023, ClinGen allele CA180372.
Genomic context (GRCh38, chr7:103,498,109, plus strand): 5'-AGAAATAACTAACAAAAAATTCACTTACTTTGCACCTCGAAGATCCAAATCTTGTGTAAC[C>T]GCTTGTCTCACAGTGGATCCCCCAAAATAGAGTGCAGTGTCCTCGGCAAGAATTCCACAC-3'
Protein context (NP_005036.2, residues 2927-2947): LYFGGSTVRQ[Ala2937=]VTQDLDLRGA

ClinVar aggregate classification (germline): Benign/Likely benign. Review status: criteria provided, multiple submitters, no conflicts (2 of 4 stars). 7 submissions from 7 submitters: Benign (6); Likely benign (1). Last evaluated 2026-02-03.

Conditions:
Epilepsy, familial temporal lobe, 1. Identifiers: Orphanet 101046, MedGen CN030884, MONDO:0700090, OMIM 600512.
Familial temporal lobe epilepsy 7. Identifiers: Orphanet 101046, MedGen C4225327, MONDO:0014639, OMIM 616436.
Norman-Roberts syndrome (LIS2). Also called: Lissencephaly 2 (Norman-Roberts type). Identifiers: Orphanet 89844, MedGen C0796089, MONDO:0009760, OMIM 257320.

Allele frequency attached by ClinVar (database versions not stated): ESP Exome Variant Server 0.00015; gnomAD exomes 0.00088 and 0.00396; 1000 Genomes Project 0.00140; 1000 Genomes Project 30x 0.00172; gnomAD 0.00226 and 0.00229; ExAC 0.00297; TOPMed 0.00340.
gnomAD v4.1: 1,602 of 1,614,080 alleles (0.099%); highest among the groups gnomAD compares: Admixed American, 2.5%; 32 homozygotes.

Submissions (7):

Labcorp Genetics (formerly Invitae), Labcorp
Classification: Benign for Familial temporal lobe epilepsy 7; Norman-Roberts syndrome. Last evaluated: 2026-02-03. Review status: criteria provided, single submitter. Criteria: Invitae Variant Classification Sherloc (09022015). Collection method: clinical testing. Allele origin: germline.

Mayo Clinic Laboratories, Mayo Clinic
Classification: Benign. Last evaluated: 2023-06-13. Review status: criteria provided, single submitter. Criteria: ACMG Guidelines, 2015. Collection method: clinical testing. Allele origin: germline. Observed: 2 variant alleles.
Comment: BS1, BS2, BP4, BP7

Fulgent Genetics
Classification: Likely benign for Norman-Roberts syndrome; Epilepsy, familial temporal lobe, 1; Familial temporal lobe epilepsy 7. Last evaluated: 2021-10-20. Review status: criteria provided, single submitter. Criteria: ACMG Guidelines, 2015. Collection method: clinical testing. Allele origin: unknown.

Illumina Laboratory Services, Illumina
Classification: Benign for Norman-Roberts syndrome. Last evaluated: 2018-01-13. Review status: criteria provided, single submitter. Criteria: ICSL Variant Classification Criteria 13 December 2019. Collection method: clinical testing. Allele origin: germline.
Comment: This variant was observed in the ICSL laboratory as part of a predisposition screen in an ostensibly healthy population. It had not been previously curated by ICSL or reported in the Human Gene Mutation Database (HGMD: prior to June 1st, 2018), and was therefore a candidate for classification through an automated scoring system. Utilizing variant allele frequency, disease prevalence and penetrance estimates, and inheritance mode, an automated score was calculated to assess if this variant is too frequent to cause the disease. Based on the score and internal cut-off values, a variant classified as benign is not then subjected to further curation. The score for this variant resulted in a classification of benign for this disease.

GeneDx
Classification: Benign. Last evaluated: 2016-11-14. Review status: criteria provided, single submitter. Criteria: GeneDx Variant Classification (06012015). Collection method: clinical testing. Allele origin: germline. Affected: yes.
Comment: This variant is considered likely benign or benign based on one or more of the following criteria: it is a conservative change, it occurs at a poorly conserved position in the protein, it is predicted to be benign by multiple in silico algorithms, and/or has population frequency not consistent with disease.

Eurofins Ntd Llc (ga)
Classification: Benign. Last evaluated: 2014-10-31. Review status: criteria provided, single submitter. Criteria: EGL Classification Definitions 2015. Collection method: clinical testing. Allele origin: germline. Observed: 6 variant alleles, 6 heterozygotes.

Breakthrough Genomics
Classification: Benign. Review status: criteria provided, single submitter. Criteria: ACMG Guidelines, 2015. Collection method: not provided. Allele origin: germline. Inheritance: Autosomal recessive inheritance. Affected: yes.